The following is an entry in ClinVar:

ClinVar aggregate classification (germline): Uncertain significance (1 of 4 stars; one submission).

Submission:

Women's Health and Genetics/Laboratory Corporation of America, LabCorp
Classification: Uncertain significance. Last evaluated: 2023-08-09. Review status: criteria provided, single submitter. Criteria: LabCorp Variant Classification Summary - May 2015. Collection method: clinical testing. Allele origin: germline.
Comment: Variant summary: HBA1 c.142G>C (p.Asp48His) results in a non-conservative amino acid change in the encoded protein sequence. Five of five in-silico tools predict a damaging effect of the variant on protein function. The variant was absent in 139934 control chromosomes (gnomAD). The available data on variant occurrences in the general population are insufficient to allow any conclusion about variant significance. c.142G>C (also known as Hb Hasharon) has been reported in the literature in individuals affected thalassemia intermedia (Zago_1982) and microcytosis and hypochromia (Grignoli_1999). These report(s) do not provide unequivocal conclusions about association of the variant with Alpha Thalassemia. To our knowledge, no experimental evidence demonstrating an impact on protein function has been reported. The following publications have been ascertained in the context of this evaluation (PMID: 14576901, 1487425, 7154040, 10335985). No submitters have cited clinical-significance assessments for this variant to ClinVar after 2014. Based on the evidence outlined above, the variant was classified as uncertain significance.

Literature cited by the submitters: PubMed 10335985; PubMed 1487425; PubMed 14576901; PubMed 7154040.

NM_000558.5(HBA1):c.142G>C (p.Asp48His)

Genes: HBA1 (hemoglobin subunit alpha 1; plus strand), LOC106804613 (hemoglobin subunit alpha 1 recombination region; plus strand). Cytogenetic location: 16p13.3.
Variant type: single nucleotide variant.
Coding change: c.142G>C on transcript NM_000558.5 (MANE Select); coding-DNA position 142, G replaced by C.
Protein change: p.Asp48His; replaces aspartic acid 48 with histidine.
Molecular consequence: missense variant.
Genome position (GRCh38, 1-based): chr16:176,975, G>C. VCF-style: chr16-176975-G-C. GRCh37 (hg19) VCF-style: chr16-226974-G-C.
Other names: short protein forms D48H.
Identifiers: ClinVar variation 2581599 (VCV002581599.1), dbSNP rs34269448, ClinGen allele CA276416736.